The following is an entry in ClinVar:

ClinVar aggregate classification (germline): Uncertain significance (1 of 4 stars; one submission).

Conditions:
Actin accumulation myopathy (CMYO2A). Also called: Nemaline myopathy type 3; Myopathy, actin, congenital, with excess of thin myofilaments; Myopathy, actin, congenital, with cores; Nemaline myopathy 3, with intranuclear rods; CONGENITAL MYOPATHY 2A, TYPICAL, AUTOSOMAL DOMINANT. Identifiers: Orphanet 98904, MedGen C3711389, MONDO:0008070, OMIM 161800.

Submission:

Labcorp Genetics (formerly Invitae), Labcorp
Classification: Uncertain significance for Actin accumulation myopathy. Last evaluated: 2023-07-25. Review status: criteria provided, single submitter. Criteria: Invitae Variant Classification Sherloc (09022015). Collection method: clinical testing. Allele origin: germline.
Comment: In summary, the available evidence is currently insufficient to determine the role of this variant in disease. Therefore, it has been classified as a Variant of Uncertain Significance. Advanced modeling of protein sequence and biophysical properties (such as structural, functional, and spatial information, amino acid conservation, physicochemical variation, residue mobility, and thermodynamic stability) performed at Invitae indicates that this missense variant is not expected to disrupt ACTA1 protein function. This variant is also known as E207D. This missense change has been observed in individual(s) with nemaline myopathy (PMID: 15138616). This variant is not present in population databases (gnomAD no frequency). This sequence change replaces glutamic acid, which is acidic and polar, with aspartic acid, which is acidic and polar, at codon 209 of the ACTA1 protein (p.Glu209Asp).

Literature cited by the submitters: PubMed 15138616.

NM_001100.4(ACTA1):c.627G>T (p.Glu209Asp)

Gene: ACTA1 (actin alpha 1, skeletal muscle; minus strand). Cytogenetic location: 1q42.13.
Variant type: single nucleotide variant.
Coding change: c.627G>T on transcript NM_001100.4 (MANE Select); coding-DNA position 627, G replaced by T.
Protein change: p.Glu209Asp; replaces glutamic acid 209 with aspartic acid.
Molecular consequence: missense variant.
Genome position (GRCh38, 1-based): chr1:229,432,175, C>A on the plus strand (G>T on the coding strand, the complement: ACTA1 is on the minus strand). VCF-style: chr1-229432175-C-A. GRCh37 (hg19) VCF-style: chr1-229567922-C-A.
Other names: short protein forms E209D.
Identifiers: ClinVar variation 2744116 (VCV002744116.3), dbSNP rs1467474289, ClinGen allele CA345147447.
Genomic context (GRCh38, chr1:229,432,175, plus strand): 5'-CATCTCGTTCTCGAAGTCCAGGGCCACGTAGCACAGCTTCTCCTTGATGTCGCGCACGAT[C>A]TCGCGCTCAGCTGCGGAGGGCAGAAGCAGGAGAGGAGCCCTCACTCAGGGGCCGCCGCCG-3'
Protein context (NP_001091.1, residues 199-219): GYSFVTTAER[Glu209Asp]IVRDIKEKLC